The following is an entry in ClinVar:

NM_016642.4(SPTBN5):c.4150_4165del (p.Pro1384fs)

Gene: SPTBN5 (spectrin beta, non-erythrocytic 5; minus strand). Cytogenetic location: 15q15.1.
Variant type: Deletion.
Coding change: c.4150_4165del on transcript NM_016642.4 (MANE Select); coding-DNA positions 4150 to 4165, 16 bases deleted (CCCTGTGGCCAGGAGG).
Protein change: p.Pro1384fs; shifts the reading frame from proline 1384.
Molecular consequence: frameshift variant.
Genome position (GRCh38, 1-based): chr15:41,875,580-41,875,595, CCTCCTGGCCACAGGG deleted on the plus strand (CCCTGTGGCCAGGAGG on the coding strand, the reverse complement: SPTBN5 is on the minus strand); deleting any 16 consecutive bases within chr15:41,875,580-41,875,601 gives the same sequence; the c. name uses the placement nearest the transcript's 3' end. VCF-style (leftmost placement, unchanged base first): chr15-41875579-TCCTCCTGGCCACAGGG-T. GRCh37 (hg19) VCF-style: chr15-42167777-TCCTCCTGGCCACAGGG-T.
Other names: short protein forms P1384fs.
Identifiers: ClinVar variation 3048740 (VCV003048740.2), dbSNP rs1199933868, ClinGen allele CA712861494.

ClinVar aggregate classification (germline): Uncertain significance (0 of 4 stars; one submission).

Conditions:
SPTBN5-related disorder. Also called: SPTBN5-related condition.

Submission:

PreventionGenetics, part of Exact Sciences
Classification: Uncertain significance for SPTBN5-related condition. Last evaluated: 2024-01-03. Review status: no assertion criteria provided. Collection method: clinical testing. Allele origin: germline.
Comment: The SPTBN5 c.4150_4165del16 variant is predicted to result in a frameshift and premature protein termination (p.Pro1384Thrfs*9). To our knowledge, this variant has not been reported in the literature or in a large population database, indicating this variant is rare. At this time, the clinical significance of this variant is uncertain due to the absence of conclusive functional and genetic evidence.